The following is an entry in ClinVar:

ClinVar aggregate classification (germline): Uncertain significance (1 of 4 stars; one submission).

Allele frequency attached by ClinVar (database versions not stated): ExAC 0.00001; gnomAD exomes 0.00001; ESP Exome Variant Server 0.00008.
gnomAD v4.1: 12 of 1,613,972 alleles (0.00074%); highest among the groups gnomAD compares: Non-Finnish European, 0.001%; no homozygotes.

Submission:

Labcorp Genetics (formerly Invitae), Labcorp
Classification: Uncertain significance. Last evaluated: 2023-12-02. Review status: criteria provided, single submitter. Criteria: Invitae Variant Classification Sherloc (09022015). Collection method: clinical testing. Allele origin: germline.
Comment: This sequence change replaces serine, which is neutral and polar, with isoleucine, which is neutral and non-polar, at codon 447 of the AK7 protein (p.Ser447Ile). This variant is present in population databases (rs370545086, gnomAD 0.003%). This variant has not been reported in the literature in individuals affected with AK7-related conditions. ClinVar contains an entry for this variant (Variation ID: 2195036). Advanced modeling of protein sequence and biophysical properties (such as structural, functional, and spatial information, amino acid conservation, physicochemical variation, residue mobility, and thermodynamic stability) performed at Invitae indicates that this missense variant is not expected to disrupt AK7 protein function with a negative predictive value of 80%. In summary, the available evidence is currently insufficient to determine the role of this variant in disease. Therefore, it has been classified as a Variant of Uncertain Significance.

NM_152327.5(AK7):c.1340G>T (p.Ser447Ile)

Gene: AK7 (adenylate kinase 7; plus strand). Cytogenetic location: 14q32.2.
Variant type: single nucleotide variant.
Coding change: c.1340G>T on transcript NM_152327.5 (MANE Select); coding-DNA position 1340, G replaced by T.
Protein change: p.Ser447Ile; replaces serine 447 with isoleucine.
Molecular consequence: missense variant.
Genome position (GRCh38, 1-based): chr14:96,458,195, G>T. VCF-style: chr14-96458195-G-T. GRCh37 (hg19) VCF-style: chr14-96924532-G-T.
Other names: c.1340G>T, p.Ser447Ile (NM_001350888.2, NM_001350890.2, NM_001350892.2); c.1262G>T, p.Ser421Ile (NM_001350891.2); short protein forms S421I, S447I.
Identifiers: ClinVar variation 2195036 (VCV002195036.2), dbSNP rs370545086, ClinGen allele CA7337812.